The following continues an entry in ClinVar:

NM_000059.4(BRCA2):c.7505G>A (p.Arg2502His)

Gene: BRCA2. ClinVar aggregate classification (germline): Benign. Benign (1).

Submissions 17 to 20 of 20:

Color Diagnostics, LLC DBA Color Health
Classification: Benign for Hereditary cancer-predisposing syndrome. Last evaluated: 2015-12-29. Review status: criteria provided, single submitter. Criteria: ACMG Guidelines, 2015. Collection method: clinical testing. Allele origin: germline. Not counted in ClinVar's aggregate classification.

Counsyl
Classification: Uncertain significance for Breast-ovarian cancer, familial, susceptibility to, 2. Last evaluated: 2017-02-15. Review status: no assertion criteria provided. Collection method: clinical testing. Allele origin: unknown. Not counted in ClinVar's aggregate classification.

Sharing Clinical Reports Project (SCRP)
Classification: Benign for Breast-ovarian cancer, familial 2. Last evaluated: 2012-05-01. Review status: no assertion criteria provided. Collection method: clinical testing. Allele origin: germline. Not counted in ClinVar's aggregate classification.

Breast Cancer Information Core (BIC) (BRCA2)
Classification: Uncertain significance for Breast-ovarian cancer, familial 2. Last evaluated: 2004-02-20. Review status: no assertion criteria provided. Collection method: clinical testing. Allele origin: germline, unknown. Affected: yes. Observed: 4 variant alleles. Not counted in ClinVar's aggregate classification.

Literature cited by the submitters: PubMed 31131967 (cited by Evidence-based Network for the Interpretation of Germline Mutant Alleles (ENIGMA)); PubMed 30287823 (cited by 3 submitters); PubMed 27616075 (cited by 4 submitters); PubMed 24772314 (cited by 4 submitters); PubMed 1086320 (cited by Department of Pathology and Laboratory Medicine, Sinai Health System); PubMed 21965345 (cited by 5 submitters); PubMed 24504028 (cited by 4 submitters); PubMed 22505045 (cited by Department of Pathology and Laboratory Medicine, Sinai Health System and Women's Health and Genetics/Laboratory Corporation of America, LabCorp); PubMed 30696104 (cited by Department of Pathology and Laboratory Medicine, Sinai Health System and Women's Health and Genetics/Laboratory Corporation of America, LabCorp); PubMed 28288110 (cited by Department of Pathology and Laboratory Medicine, Sinai Health System and Women's Health and Genetics/Laboratory Corporation of America, LabCorp); PubMed 33471991 (cited by Department of Pathology and Laboratory Medicine, Sinai Health System and Sema4); PubMed 10486320 (cited by 4 submitters); PubMed 18824701 (cited by 4 submitters); PubMed 21702907 (cited by 3 submitters); PubMed 19043619 (cited by 3 submitters); PubMed 10882858 (cited by 4 submitters); PubMed 22476429 (cited by 3 submitters); PubMed 25415331 (cited by 3 submitters); PubMed 25583476 (cited by Women's Health and Genetics/Laboratory Corporation of America, LabCorp); PubMed 30040829 (cited by Women's Health and Genetics/Laboratory Corporation of America, LabCorp); PubMed 28222693 (cited by Women's Health and Genetics/Laboratory Corporation of America, LabCorp and Quest Diagnostics Nichols Institute San Juan Capistrano); DOI 10.3389/fgene.2022.834265 (cited by National Health Laboratory Service, Universitas Academic Hospital and University of the Free State); PubMed 32438681 (cited by Sema4); PubMed 32806537 (cited by Sema4); PubMed 28263838 (cited by Quest Diagnostics Nichols Institute San Juan Capistrano).